The following is an entry in ClinVar:

NM_032638.5(GATA2):c.742A>T (p.Thr248Ser)

Gene: GATA2 (GATA binding protein 2; minus strand). Cytogenetic location: 3q21.3.
Variant type: single nucleotide variant.
Coding change: c.742A>T on transcript NM_032638.5 (MANE Select); coding-DNA position 742, A replaced by T.
Protein change: p.Thr248Ser; replaces threonine 248 with serine.
Molecular consequence: missense variant.
Genome position (GRCh38, 1-based): chr3:128,485,856, T>A on the plus strand (A>T on the coding strand, the complement: GATA2 is on the minus strand). VCF-style: chr3-128485856-T-A. GRCh37 (hg19) VCF-style: chr3-128204699-T-A.
Other names: c.742A>T, p.Thr248Ser (NM_001145661.2, NM_001145662.1); short protein forms T248S.
Identifiers: ClinVar variation 960045 (VCV000960045.10), dbSNP rs2068688330, ClinGen allele CA354406073.

ClinVar aggregate classification (germline): Uncertain significance. Review status: criteria provided, multiple submitters, no conflicts (2 of 4 stars). 2 submissions from 2 submitters: Uncertain significance (2). Last evaluated 2025-04-14.

Conditions:
Monocytopenia with susceptibility to infections. Also called: MONOCYTOPENIA AND MYCOBACTERIAL INFECTION SYNDROME; MONOCYTOPENIA WITH SUSCEPTIBILITY TO MYCOBACTERIAL, FUNGAL, AND PAPILLOMAVIRUS INFECTIONS AND MYELODYSPLASIA; COMBINED IMMUNODEFICIENCY WITH SUSCEPTIBILITY TO MYCOBACTERIAL, VIRAL, AND FUNGAL INFECTIONS; Dendritic cell, monocyte, B lymphocyte, and natural killer lymphocyte deficiency; IMMUNODEFICIENCY 21; GATA2 DEFICIENCY. Identifiers: Orphanet 228423, MedGen C3280030, MONDO:0013607, OMIM 614172.
Deafness-lymphedema-leukemia syndrome. Also called: Lymphedema, primary, with myelodysplasia; Emberger syndrome. Identifiers: Orphanet 3226, MedGen C3279664, MONDO:0013540, OMIM 614038.
Inborn genetic diseases. Identifiers: MedGen C0950123, MeSH D030342.

Submissions (2):

Ambry Genetics
Classification: Uncertain significance for Inborn genetic diseases. Last evaluated: 2025-04-14. Review status: criteria provided, single submitter. Criteria: Ambry Variant Classification Scheme 2023. Collection method: clinical testing. Allele origin: germline.
Comment: The p.T248S variant (also known as c.742A>T), located in coding exon 2 of the GATA2 gene, results from an A to T substitution at nucleotide position 742. The threonine at codon 248 is replaced by serine, an amino acid with similar properties. This amino acid position is conserved. In addition, the in silico prediction for this alteration is inconclusive. Based on the available evidence, the clinical significance of this variant remains unclear.

Labcorp Genetics (formerly Invitae), Labcorp
Classification: Uncertain significance for Monocytopenia with susceptibility to infections; Deafness-lymphedema-leukemia syndrome. Last evaluated: 2019-08-12. Review status: criteria provided, single submitter. Criteria: Invitae Variant Classification Sherloc (09022015). Collection method: clinical testing. Allele origin: germline.
Comment: Algorithms developed to predict the effect of missense changes on protein structure and function are either unavailable or do not agree on the potential impact of this missense change (SIFT: "Tolerated"; PolyPhen-2: "Probably Damaging"; Align-GVGD: "Class C0"). In summary, the available evidence is currently insufficient to determine the role of this variant in disease. Therefore, it has been classified as a Variant of Uncertain Significance. This variant has not been reported in the literature in individuals with GATA2-related conditions. This variant is not present in population databases (ExAC no frequency). This sequence change replaces threonine with serine at codon 248 of the GATA2 protein (p.Thr248Ser). The threonine residue is moderately conserved and there is a small physicochemical difference between threonine and serine.